The following is an entry in ClinVar:

ClinVar aggregate classification (germline): Uncertain significance (1 of 4 stars; one submission).

Conditions:
Glycogen storage disease type III (GSD3). Also called: FORBES DISEASE; Cori disease. Identifiers: Orphanet 366, MedGen C0017922, MONDO:0009291, OMIM 232400.

Submission:

Labcorp Genetics (formerly Invitae), Labcorp
Classification: Uncertain significance for Glycogen storage disease type III. Last evaluated: 2021-04-05. Review status: criteria provided, single submitter. Criteria: Invitae Variant Classification Sherloc (09022015). Collection method: clinical testing. Allele origin: germline.
Comment: In summary, the available evidence is currently insufficient to determine the role of this variant in disease. Therefore, it has been classified as a Variant of Uncertain Significance. Algorithms developed to predict the effect of sequence changes on RNA splicing suggest that this variant may create or strengthen a splice site, but this prediction has not been confirmed by published transcriptional studies. Experimental studies and prediction algorithms are not available or were not evaluated, and the functional significance of this variant is currently unknown. This variant has not been reported in the literature in individuals with AGL-related conditions. The frequency data for this variant in the population databases is not available, as this variant may be reported as separate entries in the ExAC database. This sequence change replaces glycine with serine at codon 935 of the AGL protein (p.Gly935Ser). The glycine residue is highly conserved and there is a small physicochemical difference between glycine and serine.

NM_000642.3(AGL):c.2802_2803delinsCA (p.Gly935Ser)

Gene: AGL (amylo-alpha-1,6-glucosidase and 4-alpha-glucanotransferase; plus strand). Cytogenetic location: 1p21.2.
Variant type: Indel.
Coding change: c.2802_2803delinsCA on transcript NM_000642.3 (MANE Select); coding-DNA positions 2802 to 2803, AG replaced by CA.
Protein change: p.Gly935Ser; replaces glycine 935 with serine.
Molecular consequence: missense variant.
Genome position (GRCh38, 1-based): chr1:99,888,098-99,888,099, AG replaced by CA. VCF-style: chr1-99888098-AG-CA. GRCh37 (hg19) VCF-style: chr1-100353654-AG-CA.
Other names: c.2802_2803delAGinsCA, p.Gly935Ser (NM_000028.3, NM_000643.3, NM_000644.3 and 2 more transcripts); c.2754_2755delAGinsCA, p.Gly919Ser (NM_000646.3); c.2601_2602delAGinsCA, p.Gly868Ser (NM_001425327.1); c.2598_2599delAGinsCA, p.Gly867Ser (NM_001425328.1); c.2463_2464delAGinsCA, p.Gly822Ser (NM_001425329.1); c.2424_2425delAGinsCA, p.Gly809Ser (NM_001425332.1); short protein forms G919S, G935S, G809S, G822S, G867S, G868S.
Identifiers: ClinVar variation 1441241 (VCV001441241.6), dbSNP rs2100779264, ClinGen allele CA2573132742.